The following is an entry in ClinVar:

NM_001814.6(CTSC):c.1303G>A (p.Glu435Lys)

Gene: CTSC (cathepsin C; minus strand). Cytogenetic location: 11q14.2.
Variant type: single nucleotide variant.
Coding change: c.1303G>A on transcript NM_001814.6 (MANE Select); coding-DNA position 1303, G replaced by A.
Protein change: p.Glu435Lys; replaces glutamic acid 435 with lysine.
Molecular consequence: missense variant.
Genome position (GRCh38, 1-based): chr11:88,294,095, C>T on the plus strand (G>A on the coding strand, the complement: CTSC is on the minus strand). VCF-style: chr11-88294095-C-T. GRCh37 (hg19) VCF-style: chr11-88027263-C-T.
Other names: short protein forms E435K.
Identifiers: ClinVar variation 643044 (VCV000643044.7), dbSNP rs1555025770, ClinGen allele CA382021431.

ClinVar aggregate classification (germline): Uncertain significance (1 of 4 stars; one submission).

Conditions:
Periodontitis, aggressive. Identifiers: MedGen C0031106, MONDO:0980757.
Haim-Munk syndrome (HMS). Also called: COCHIN JEWISH DISORDER; KERATOSIS PALMOPLANTARIS WITH PERIODONTOPATHIA AND ONYCHOGRYPOSIS. Identifiers: Orphanet 2342, MedGen C1855627, MONDO:0009491, OMIM 245010.
Papillon-Lefèvre syndrome (PALS). Also called: Papillon-Lefevre Disease; KERATOSIS PALMOPLANTARIS WITH PERIODONTOPATHIA. Identifiers: Orphanet 678, MedGen C0030360, MONDO:0009490, OMIM 245000.

Allele frequency attached by ClinVar (database versions not stated): gnomAD exomes below 0.00001; TOPMed below 0.00001.
gnomAD v4.1: 1 of 1,614,024 alleles (0.000062%); highest among the groups gnomAD compares: Non-Finnish European, 0.000085%; no homozygotes.

Submission:

Labcorp Genetics (formerly Invitae), Labcorp
Classification: Uncertain significance for Haim-Munk syndrome; Periodontitis, aggressive; Papillon-Lefèvre syndrome. Last evaluated: 2018-09-10. Review status: criteria provided, single submitter. Criteria: Invitae Variant Classification Sherloc (09022015). Collection method: clinical testing. Allele origin: germline.
Comment: This sequence change replaces glutamic acid with lysine at codon 435 of the CTSC protein (p.Glu435Lys). The glutamic acid residue is highly conserved and there is a small physicochemical difference between glutamic acid and lysine. This variant is not present in population databases (ExAC no frequency). This variant has not been reported in the literature in individuals with CTSC-related disease. Algorithms developed to predict the effect of missense changes on protein structure and function (SIFT, PolyPhen-2, Align-GVGD) all suggest that this variant is likely to be disruptive, but these predictions have not been confirmed by published functional studies and their clinical significance is uncertain. In summary, the available evidence is currently insufficient to determine the role of this variant in disease. Therefore, it has been classified as a Variant of Uncertain Significance.